The following is an entry in ClinVar:

ClinVar aggregate classification (germline): Uncertain significance. Review status: criteria provided, multiple submitters, no conflicts (2 of 4 stars). 4 submissions from 4 submitters: Uncertain significance (4). Last evaluated 2026-04-07.

Conditions:
Inborn genetic diseases. Identifiers: MedGen C0950123, MeSH D030342.
FNIP1-related disorder. Also called: FNIP1-related condition.

Allele frequency attached by ClinVar (database versions not stated): ExAC 0.00002; ESP Exome Variant Server 0.00008; gnomAD 0.00010; 1000 Genomes Project 30x 0.00016; 1000 Genomes Project 0.00020; TOPMed 0.00026.
gnomAD v4.1: 39 of 1,613,616 alleles (0.0024%); highest among the groups gnomAD compares: Admixed American, 0.035%; no homozygotes.

Submissions (4):

Women's Health and Genetics/Laboratory Corporation of America, LabCorp
Classification: Uncertain significance. Last evaluated: 2026-04-07. Review status: criteria provided, single submitter. Criteria: LabCorp Variant Classification Summary - May 2015. Collection method: clinical testing. Allele origin: germline.

PreventionGenetics, part of Exact Sciences
Classification: Uncertain significance for FNIP1-related condition. Last evaluated: 2025-12-11. Review status: criteria provided, single submitter. Criteria: ACMG Guidelines, 2015. Collection method: clinical testing. Allele origin: germline.
Comment: The FNIP1 c.2000G>C variant is predicted to result in the amino acid substitution p.Arg667Thr. To our knowledge, this variant has not been reported in the literature. This variant is reported in 0.0056% of alleles in individuals of Latino descent in gnomAD. At this time, the clinical significance of this variant is uncertain due to the absence of conclusive functional and genetic evidence.

Ambry Genetics
Classification: Uncertain significance for Inborn genetic diseases. Last evaluated: 2025-05-07. Review status: criteria provided, single submitter. Criteria: Ambry Variant Classification Scheme 2023. Collection method: clinical testing. Allele origin: germline.

Labcorp Genetics (formerly Invitae), Labcorp
Classification: Uncertain significance. Last evaluated: 2022-08-16. Review status: criteria provided, single submitter. Criteria: Invitae Variant Classification Sherloc (09022015). Collection method: clinical testing. Allele origin: germline.
Comment: This sequence change replaces arginine, which is basic and polar, with threonine, which is neutral and polar, at codon 667 of the FNIP1 protein (p.Arg667Thr). This variant is present in population databases (rs143103389, gnomAD 0.003%). This variant has not been reported in the literature in individuals affected with FNIP1-related conditions. Algorithms developed to predict the effect of missense changes on protein structure and function (SIFT, PolyPhen-2, Align-GVGD) all suggest that this variant is likely to be tolerated. In summary, the available evidence is currently insufficient to determine the role of this variant in disease. Therefore, it has been classified as a Variant of Uncertain Significance.

NM_133372.3(FNIP1):c.2000G>C (p.Arg667Thr)

Gene: FNIP1 (folliculin interacting protein 1; minus strand). Cytogenetic location: 5q31.1.
Variant type: single nucleotide variant.
Coding change: c.2000G>C on transcript NM_133372.3 (MANE Select); coding-DNA position 2000, G replaced by C.
Protein change: p.Arg667Thr; replaces arginine 667 with threonine.
Molecular consequence: missense variant.
Genome position (GRCh38, 1-based): chr5:131,672,444, C>G on the plus strand (G>C on the coding strand, the complement: FNIP1 is on the minus strand). VCF-style: chr5-131672444-C-G. GRCh37 (hg19) VCF-style: chr5-131008137-C-G.
Other names: c.2000G>C (NM_133372.2); c.1916G>C, p.Arg639Thr (NM_001008738.3); c.1865G>C, p.Arg622Thr (NM_001346114.2); short protein forms R639T, R667T, R622T.
Identifiers: ClinVar variation 2079019 (VCV002079019.6), dbSNP rs143103389, ClinGen allele CA3400582.